The following is an entry in ClinVar:

ClinVar aggregate classification (germline): Uncertain significance. Review status: criteria provided, multiple submitters, no conflicts (2 of 4 stars). 3 submissions from 3 submitters: Uncertain significance (3). Last evaluated 2023-10-24.

Allele frequency attached by ClinVar (database versions not stated): ExAC 0.00002; TOPMed 0.00003; gnomAD exomes 0.00004 and 0.00005; gnomAD 0.00007.
gnomAD v4.1: 84 of 1,613,982 alleles (0.0052%); highest among the groups gnomAD compares: Admixed American, 0.0083%; no homozygotes.

Submissions (3):

Labcorp Genetics (formerly Invitae), Labcorp
Classification: Uncertain significance. Last evaluated: 2023-10-24. Review status: criteria provided, single submitter. Criteria: Invitae Variant Classification Sherloc (09022015). Collection method: clinical testing. Allele origin: germline.
Comment: This sequence change replaces glycine, which is neutral and non-polar, with serine, which is neutral and polar, at codon 1050 of the HSPG2 protein (p.Gly1050Ser). This variant is present in population databases (rs779672692, gnomAD 0.02%). This variant has not been reported in the literature in individuals affected with HSPG2-related conditions. ClinVar contains an entry for this variant (Variation ID: 804897). An algorithm developed to predict the effect of missense changes on protein structure and function (PolyPhen-2) suggests that this variant is likely to be disruptive. In summary, the available evidence is currently insufficient to determine the role of this variant in disease. Therefore, it has been classified as a Variant of Uncertain Significance.

AiLife Diagnostics
Classification: Uncertain significance. Last evaluated: 2020-07-21. Review status: criteria provided, single submitter. Criteria: ACMG Guidelines, 2015. Collection method: clinical testing. Allele origin: germline. Affected: yes. Observed: 1 variant allele.

Athena Diagnostics
Classification: Uncertain significance. Last evaluated: 2019-07-12. Review status: criteria provided, single submitter. Criteria: Athena Diagnostics Criteria. Collection method: clinical testing. Allele origin: germline.

Literature cited by the submitters: PubMed 30871259 (cited by Athena Diagnostics).

NM_005529.7(HSPG2):c.3148G>A (p.Gly1050Ser)

Gene: HSPG2 (heparan sulfate proteoglycan 2; minus strand). Cytogenetic location: 1p36.12.
Variant type: single nucleotide variant.
Coding change: c.3148G>A on transcript NM_005529.7 (MANE Select); coding-DNA position 3148, G replaced by A.
Protein change: p.Gly1050Ser; replaces glycine 1050 with serine.
Molecular consequence: missense variant.
Genome position (GRCh38, 1-based): chr1:21,875,898, C>T on the plus strand (G>A on the coding strand, the complement: HSPG2 is on the minus strand). VCF-style: chr1-21875898-C-T. GRCh37 (hg19) VCF-style: chr1-22202391-C-T.
Other names: c.3151G>A, p.Gly1051Ser (NM_001291860.2); short protein forms G1050S, G1051S.
Identifiers: ClinVar variation 804897 (VCV000804897.5), dbSNP rs779672692, ClinGen allele CA672759.